The following is an entry in ClinVar:

NM_004304.5(ALK):c.3688G>A (p.Ala1230Thr)

Gene: ALK (ALK receptor tyrosine kinase; minus strand). Cytogenetic location: 2p23.2.
Variant type: single nucleotide variant.
Coding change: c.3688G>A on transcript NM_004304.5 (MANE Select); coding-DNA position 3688, G replaced by A.
Protein change: p.Ala1230Thr; replaces alanine 1230 with threonine.
Molecular consequence: missense variant.
Genome position (GRCh38, 1-based): chr2:29,214,039, C>T on the plus strand (G>A on the coding strand, the complement: ALK is on the minus strand). VCF-style: chr2-29214039-C-T. GRCh37 (hg19) VCF-style: chr2-29436905-C-T.
Other names: c.484G>A, p.Ala162Thr (NM_001353765.2); short protein forms A1230T, A162T.
Identifiers: ClinVar variation 1004608 (VCV001004608.12), dbSNP rs375448626, ClinGen allele CA1593806.

ClinVar aggregate classification (germline): Uncertain significance. Review status: criteria provided, multiple submitters, no conflicts (2 of 4 stars). 2 submissions from 2 submitters: Uncertain significance (2). Last evaluated 2024-07-29.

Conditions:
Neuroblastoma, susceptibility to, 3. Also called: ALK-Related Neuroblastic Tumor Susceptibility. Identifiers: Orphanet 635, MedGen C2751681, MONDO:0013083, OMIM 613014.
Hereditary cancer-predisposing syndrome. Also called: Hereditary neoplastic syndrome; Neoplastic Syndromes, Hereditary; Tumor predisposition; Hereditary Cancer Syndrome. Identifiers: Orphanet 140162, MedGen C0027672, MeSH D009386, MONDO:0015356.

Allele frequency attached by ClinVar (database versions not stated): gnomAD exomes below 0.00001; TOPMed below 0.00001; ExAC 0.00001; ESP Exome Variant Server 0.00008.
gnomAD v4.1: 1 of 1,614,038 alleles (0.000062%); highest among the groups gnomAD compares: Non-Finnish European, 0.000085%; no homozygotes.

Submissions (2):

Labcorp Genetics (formerly Invitae), Labcorp
Classification: Uncertain significance for Neuroblastoma, susceptibility to, 3. Last evaluated: 2024-07-29. Review status: criteria provided, single submitter. Criteria: Invitae Variant Classification Sherloc (09022015). Collection method: clinical testing. Allele origin: germline.
Comment: This sequence change replaces alanine, which is neutral and non-polar, with threonine, which is neutral and polar, at codon 1230 of the ALK protein (p.Ala1230Thr). This variant is present in population databases (rs375448626, gnomAD 0.0009%). This variant has not been reported in the literature in individuals affected with ALK-related conditions. ClinVar contains an entry for this variant (Variation ID: 1004608). An algorithm developed to predict the effect of missense changes on protein structure and function (PolyPhen-2) suggests that this variant is likely to be disruptive. In summary, the available evidence is currently insufficient to determine the role of this variant in disease. Therefore, it has been classified as a Variant of Uncertain Significance.

Ambry Genetics
Classification: Uncertain significance for Hereditary cancer-predisposing syndrome. Last evaluated: 2024-04-16. Review status: criteria provided, single submitter. Criteria: Ambry Variant Classification Scheme 2023. Collection method: clinical testing. Allele origin: germline.
Comment: The p.A1230T variant (also known as c.3688G>A), located in coding exon 24 of the ALK gene, results from a G to A substitution at nucleotide position 3688. The alanine at codon 1230 is replaced by threonine, an amino acid with similar properties. This amino acid position is highly conserved in available vertebrate species. In addition, this alteration is predicted to be deleterious by in silico analysis. Based on the available evidence, the clinical significance of this variant remains unclear.